The following is an entry in ClinVar:

NM_000051.4(ATM):c.2921+2T>G

Gene: ATM (ATM serine/threonine kinase; plus strand). Cytogenetic location: 11q22.3.
Variant type: single nucleotide variant.
Coding change: c.2921+2T>G on transcript NM_000051.4 (MANE Select); the canonical splice donor site of the intron after coding-DNA position 2921, T replaced by G.
Molecular consequence: splice donor variant.
Genome position (GRCh38, 1-based): chr11:108,271,148, T>G. VCF-style: chr11-108271148-T-G. GRCh37 (hg19) VCF-style: chr11-108141875-T-G.
Other names: c.2921+2T>G (NM_001351834.2).
Identifiers: ClinVar variation 1456995 (VCV001456995.10), dbSNP rs2135549026, ClinGen allele CA382547024.
Genomic context (GRCh38, chr11:108,271,148, plus strand): 5'-CCTGGAGAAGAGTACCCCTTGCCAATGGAAGATGTTCTTGAACTTCTGAAACCACTATCG[T>G]AAGAAATTAAAACCTTATGTTATGTTCACTTTAAAGTTATAAAATAACTGATGTGTTCTG-3'

ClinVar aggregate classification (germline): Pathogenic. Review status: criteria provided, multiple submitters, no conflicts (2 of 4 stars). 2 submissions from 2 submitters: Pathogenic (2). Last evaluated 2025-03-04.

Conditions:
Ataxia-telangiectasia syndrome (AT). Also called: Ataxia-telangiectasia, complementation group E; LOUIS-BAR SYNDROME; Ataxia-telangiectasia, complementation group D; AT, COMPLEMENTATION GROUP C; Ataxia-telangiectasia; Cerebello-oculocutaneous telangiectasia. Identifiers: Orphanet 100, MedGen C0004135, MONDO:0008840, OMIM 208900.

Allele frequency attached by ClinVar (database versions not stated): gnomAD 0.00001.
gnomAD v4.1: 1 of 1,613,784 alleles (0.000062%); highest among the groups gnomAD compares: East Asian, 0.0022%; no homozygotes.

Submissions (2):

Center for Genomic Medicine, Rigshospitalet, Copenhagen University Hospital
Classification: Pathogenic. Last evaluated: 2025-03-04. Review status: criteria provided, single submitter. Criteria: ACMG Guidelines, 2015. Collection method: clinical testing. Allele origin: germline.

Labcorp Genetics (formerly Invitae), Labcorp
Classification: Pathogenic for Ataxia-telangiectasia syndrome. Last evaluated: 2021-05-31. Review status: criteria provided, single submitter. Criteria: Invitae Variant Classification Sherloc (09022015). Collection method: clinical testing. Allele origin: germline.
Comment: For these reasons, this variant has been classified as Pathogenic. Algorithms developed to predict the effect of sequence changes on RNA splicing suggest that this variant may disrupt the consensus splice site, but this prediction has not been confirmed by published transcriptional studies. Disruption of this splice site has been observed in individual(s) with clinical features of ataxia telangiectasia (PMID: 11298136, 8845835). In at least one individual the data is consistent with the variant being in trans (on the opposite chromosome) from a pathogenic variant. This variant is not present in population databases (ExAC no frequency). This sequence change affects a donor splice site in intron 19 of the ATM gene. It is expected to disrupt RNA splicing. Variants that disrupt the donor or acceptor splice site typically lead to a loss of protein function (PMID: 16199547), and loss-of-function variants in ATM are known to be pathogenic (PMID: 23807571, 25614872).

Literature cited by the submitters: PubMed 33840814 (cited by Center for Genomic Medicine, Rigshospitalet, Copenhagen University Hospital); PubMed 11298136 (cited by Labcorp Genetics (formerly Invitae), Labcorp); PubMed 8845835 (cited by Labcorp Genetics (formerly Invitae), Labcorp); PubMed 16199547 (cited by Labcorp Genetics (formerly Invitae), Labcorp); PubMed 23807571 (cited by Labcorp Genetics (formerly Invitae), Labcorp); PubMed 25614872 (cited by Labcorp Genetics (formerly Invitae), Labcorp).